The following is an entry in ClinVar:

ClinVar aggregate classification (germline): Uncertain significance (1 of 4 stars; one submission).

Submission:

GeneDx
Classification: Uncertain significance. Last evaluated: 2019-08-05. Review status: criteria provided, single submitter. Criteria: GeneDx Variant Classification Process June 2021. Collection method: clinical testing. Allele origin: germline. Affected: yes.
Comment: Not observed in large population cohorts (Lek et al., 2016); In-frame deletion of three amino acids and replaced with five incorrect amino acid in a non-repeat region; Has not been previously published as pathogenic or benign to our knowledge

NM_002641.4(PIGA):c.1223_1228delinsTTCCACTGATAA (p.Pro408_Asp410delinsLeuProLeuIleAsn)

Gene: PIGA (phosphatidylinositol glycan anchor biosynthesis class A; minus strand). Cytogenetic location: Xp22.2.
Variant type: Indel.
Coding change: c.1223_1228delinsTTCCACTGATAA on transcript NM_002641.4 (MANE Select); coding-DNA positions 1223 to 1228, CAATGG replaced by TTCCACTGATAA.
Protein change: p.Pro408_Asp410delinsLeuProLeuIleAsn.
Molecular consequence: inframe indel. On other transcripts: non-coding transcript variant (2).
Genome position (GRCh38, 1-based): chrX:15,321,733-15,321,738, CCATTG replaced by TTATCAGTGGAA on the plus strand (CAATGG replaced by TTCCACTGATAA on the coding strand, the reverse complement: PIGA is on the minus strand). VCF-style: chrX-15321733-CCATTG-TTATCAGTGGAA. GRCh37 (hg19) VCF-style: chrX-15339855-CCATTG-TTATCAGTGGAA.
Other names: c.521_526delinsTTCCACTGATAA, p.Pro174_Asp176delinsLeuProLeuIleAsn (NM_020473.3).
Identifiers: ClinVar variation 1307531 (VCV001307531.2), dbSNP rs2147714838, ClinGen allele CA2573055129.
Genomic context (GRCh38, chrX:15,321,733, plus strand): 5'-AAGCAAAGATGTAGCCTGTTACTGGGCCGCAGTGAGAAATAAGTCTGTCCAGTCGTTTGT[CCATTG>TTATCAGTGGAA]GCAACACAGCTTCCACTGATACCCGGTCATATACCTGGAGGGAGAGAAGCCAAGTGTGAG-3'